The following is an entry in ClinVar:

ClinVar aggregate classification (germline): Pathogenic/Likely pathogenic. Review status: criteria provided, multiple submitters, no conflicts (2 of 4 stars). 2 submissions from 2 submitters: Pathogenic (1); Likely pathogenic (1). Last evaluated 2026-04-04.

Conditions:
Exostoses, multiple, type 2 (EXT2). Also called: Hereditary Multiple Osteochondromatosis, Type II; EXOSTOSES, MULTIPLE, TYPE II. Identifiers: Orphanet 321, MedGen C1851413, MONDO:0007586, OMIM 133701.
EXT2-related disorder. Also called: EXT2-related condition.

Submissions (2):

PreventionGenetics, part of Exact Sciences
Classification: Likely pathogenic for EXT2-related condition. Last evaluated: 2026-04-04. Review status: criteria provided, single submitter. Criteria: ACMG Guidelines, 2015. Collection method: clinical testing. Allele origin: germline.
Comment: The EXT2 c.1104_1108del5 variant is predicted to result in a frameshift and premature protein termination (p.Glu368Aspfs*17). To our knowledge, this variant has not been reported in the literature or in a large population database (gnomAD), indicating this variant is rare. Frameshift variants in EXT2 are expected to be pathogenic. This variant is interpreted as likely pathogenic.

Labcorp Genetics (formerly Invitae), Labcorp
Classification: Pathogenic for Exostoses, multiple, type 2. Last evaluated: 2023-04-04. Review status: criteria provided, single submitter. Criteria: Invitae Variant Classification Sherloc (09022015). Collection method: clinical testing. Allele origin: germline.
Comment: This sequence change creates a premature translational stop signal (p.Glu368Aspfs*17) in the EXT2 gene. It is expected to result in an absent or disrupted protein product. Loss-of-function variants in EXT2 are known to be pathogenic (PMID: 10679937, 19810120). This variant is not present in population databases (gnomAD no frequency). This variant has not been reported in the literature in individuals affected with EXT2-related conditions. For these reasons, this variant has been classified as Pathogenic.

Literature cited by the submitters: PubMed 10679937 (cited by Labcorp Genetics (formerly Invitae), Labcorp); PubMed 19810120 (cited by Labcorp Genetics (formerly Invitae), Labcorp).

NM_207122.2(EXT2):c.1104_1108del (p.Glu368fs)

Gene: EXT2 (exostosin glycosyltransferase 2; plus strand). Cytogenetic location: 11p11.2.
Variant type: Deletion.
Coding change: c.1104_1108del on transcript NM_207122.2 (MANE Select); coding-DNA positions 1104 to 1108, 5 bases deleted (AAAGA; older notation c.1104_1108delAAAGA).
Protein change: p.Glu368fs; shifts the reading frame from glutamic acid 368.
Molecular consequence: frameshift variant.
Genome position (GRCh38, 1-based): chr11:44,130,069-44,130,073, AAAGA deleted; deleting any 5 consecutive bases within chr11:44,130,065-44,130,073 gives the same sequence; the c. name uses the placement nearest the transcript's 3' end. VCF-style (leftmost placement, unchanged base first): chr11-44130064-GAAGAA-G. GRCh37 (hg19) VCF-style: chr11-44151614-GAAGAA-G.
Other names: c.1203_1207del, p.Glu401fs (NM_000401.3); c.1104_1108del, p.Glu368fs (NM_001178083.3, NM_001389628.1, NM_001389630.1); c.1104_1108del5 (NM_207122.1); short protein forms E401fs, E368fs.
Identifiers: ClinVar variation 2852043 (VCV002852043.4), dbSNP rs2539577315, ClinGen allele CA2739270386.
Genomic context (GRCh38, chr11:44,130,064, plus strand): 5'-AAGGGCTGTGTGTATGTAAACTGTTTTGCTGTTGTCTCCAGAGCATCTGTGGTTGTACCA[GAAGAA>G]AAGATGTCAGATGTGTACAGTATTTTGCAGAGCATCCCCCAAAGACAGATTGAAGAAATG-3'